The following is an entry in ClinVar:

NM_001329943.3(KIAA0586):c.2171A>G (p.Gln724Arg)

Gene: KIAA0586 (KIAA0586; plus strand). Cytogenetic location: 14q23.1.
Variant type: single nucleotide variant.
Coding change: c.2171A>G on transcript NM_001329943.3 (MANE Select); coding-DNA position 2171, A replaced by G.
Protein change: p.Gln724Arg; replaces glutamine 724 with arginine.
Molecular consequence: missense variant.
Genome position (GRCh38, 1-based): chr14:58,465,946, A>G. VCF-style: chr14-58465946-A-G. GRCh37 (hg19) VCF-style: chr14-58932664-A-G.
Other names: c.2330A>G, p.Gln777Arg (NM_001244189.2); c.2126A>G, p.Gln709Arg (NM_001244190.2); c.1916A>G, p.Gln639Arg (NM_001244191.2, NM_001329945.2, NM_001364700.1 and 1 more transcripts); c.2039A>G, p.Gln680Arg (NM_001244192.2); c.1751A>G, p.Gln584Arg (NM_001244193.2); c.2171A>G, p.Gln724Arg (NM_001329944.2, NM_001329946.2, NM_001329947.2); c.1943A>G, p.Gln648Arg (NM_014749.5); short protein forms Q648R, Q680R, Q709R, Q777R, Q584R, Q639R, Q724R.
Identifiers: ClinVar variation 1412207 (VCV001412207.5), dbSNP rs758553529, ClinGen allele CA7205802.

ClinVar aggregate classification (germline): Uncertain significance (1 of 4 stars; one submission).

Conditions:
Short-rib thoracic dysplasia 14 with polydactyly (SRTD14). Identifiers: Orphanet 397715, MedGen C4225286, MONDO:0014688, OMIM 616546.
Joubert syndrome 23 (JBTS23). Identifiers: Orphanet 475, MedGen C4084822, MONDO:0014664, OMIM 616490.

Allele frequency attached by ClinVar (database versions not stated): gnomAD exomes 0.00001 and 0.00002; ExAC 0.00002; TOPMed 0.00002.
gnomAD v4.1: 13 of 1,613,460 alleles (0.00081%); highest among the groups gnomAD compares: South Asian, 0.0011%; no homozygotes.

Submission:

Labcorp Genetics (formerly Invitae), Labcorp
Classification: Uncertain significance for Joubert syndrome 23; Short-rib thoracic dysplasia 14 with polydactyly. Last evaluated: 2024-02-17. Review status: criteria provided, single submitter. Criteria: Invitae Variant Classification Sherloc (09022015). Collection method: clinical testing. Allele origin: germline.
Comment: This sequence change replaces glutamine, which is neutral and polar, with arginine, which is basic and polar, at codon 777 of the KIAA0586 protein (p.Gln777Arg). This variant is present in population databases (rs758553529, gnomAD 0.003%). This variant has not been reported in the literature in individuals affected with KIAA0586-related conditions. ClinVar contains an entry for this variant (Variation ID: 1412207). Advanced modeling of protein sequence and biophysical properties (such as structural, functional, and spatial information, amino acid conservation, physicochemical variation, residue mobility, and thermodynamic stability) performed at Invitae indicates that this missense variant is expected to disrupt KIAA0586 protein function with a positive predictive value of 80%. In summary, the available evidence is currently insufficient to determine the role of this variant in disease. Therefore, it has been classified as a Variant of Uncertain Significance.